The following is an entry in ClinVar:

ClinVar aggregate classification (germline): Uncertain significance (1 of 4 stars; one submission).

Conditions:
Capillary malformation-arteriovenous malformation syndrome. Also called: Capillary malformation-arteriovenous malformation. Identifiers: Orphanet 137667, MedGen C1842180, MONDO:0012016.

Allele frequency attached by ClinVar (database versions not stated): gnomAD exomes below 0.00001 and 0.00002; TOPMed 0.00001; ExAC 0.00001.
gnomAD v4.1: 3 of 1,601,630 alleles (0.00019%); highest among the groups gnomAD compares: Admixed American, 0.005%; no homozygotes.

Submission:

Labcorp Genetics (formerly Invitae), Labcorp
Classification: Uncertain significance for Capillary malformation-arteriovenous malformation syndrome. Last evaluated: 2025-09-02. Review status: criteria provided, single submitter. Criteria: Invitae Variant Classification Sherloc (09022015). Collection method: clinical testing. Allele origin: germline.
Comment: This sequence change replaces serine, which is neutral and polar, with alanine, which is neutral and non-polar, at codon 921 of the RASA1 protein (p.Ser921Ala). This variant is present in population databases (rs775945854, gnomAD 0.009%). This variant has not been reported in the literature in individuals affected with RASA1-related conditions. ClinVar contains an entry for this variant (Variation ID: 1491813). An algorithm developed to predict the effect of missense changes on protein structure and function (PolyPhen-2) suggests that this variant is likely to be tolerated. In summary, the available evidence is currently insufficient to determine the role of this variant in disease. Therefore, it has been classified as a Variant of Uncertain Significance.

NM_002890.3(RASA1):c.2761T>G (p.Ser921Ala)

Genes: CCNH (cyclin H; minus strand), RASA1 (RAS p21 protein activator 1; plus strand). Cytogenetic location: 5q14.3.
Variant type: single nucleotide variant.
Coding change: c.2761T>G on transcript NM_002890.3 (MANE Select); coding-DNA position 2761, T replaced by G.
Protein change: p.Ser921Ala; replaces serine 921 with alanine.
Molecular consequence: missense variant. On other transcripts: intron variant (1).
Genome position (GRCh38, 1-based): chr5:87,385,303, T>G. VCF-style: chr5-87385303-T-G. GRCh37 (hg19) VCF-style: chr5-86681120-T-G.
Other names: c.2230T>G, p.Ser744Ala (NM_022650.3); c.933+9741A>C (NM_001364075.2); short protein forms S744A, S921A.
Identifiers: ClinVar variation 1491813 (VCV001491813.6), dbSNP rs775945854, ClinGen allele CA3336107.
Genomic context (GRCh38, chr5:87,385,303, plus strand): 5'-GTTTAGCTGGAAGTGCTGTTGGACTTGGTGTCATTAGCTGTGCCCAATTCTGTTACAGAT[T>G]CTCCATCTCCTATTGCTGCAAGAACACTGATATTAGTGGCTAAATCTGTGCAGAACTTAG-3'
Protein context (NP_002881.1, residues 911-931): NPRMFNIISD[Ser921Ala]PSPIAARTLI